The following is an entry in ClinVar:

ClinVar aggregate classification (germline): Uncertain significance. Review status: criteria provided, multiple submitters, no conflicts (2 of 4 stars). 4 submissions from 4 submitters: Uncertain significance (4). Last evaluated 2025-06-22.

Conditions:
Cardiovascular phenotype. Identifiers: MedGen CN230736.
Myofibrillar myopathy 5. Also called: Filaminopathy (type); FILAMINOPATHY, AUTOSOMAL DOMINANT. Identifiers: Orphanet 171445, MedGen C1836050, MONDO:0012289, OMIM 609524.
Hypertrophic cardiomyopathy 26. Also called: Cardiomyopathy, familial hypertrophic, 26. Identifiers: Orphanet 75249, MedGen C4310749, MONDO:0014883, OMIM 617047.
Distal myopathy with posterior leg and anterior hand involvement. Also called: WILLIAMS DISTAL MYOPATHY. Identifiers: Orphanet 63273, MedGen C3279722, MONDO:0013550, OMIM 614065.

Allele frequency attached by ClinVar (database versions not stated): gnomAD exomes below 0.00001; gnomAD 0.00001; TOPMed 0.00001; ESP Exome Variant Server 0.00008.
gnomAD v4.1: 6 of 1,613,732 alleles (0.00037%); highest among the groups gnomAD compares: South Asian, 0.0022%; no homozygotes.

Submissions (4):

Labcorp Genetics (formerly Invitae), Labcorp
Classification: Uncertain significance for Distal myopathy with posterior leg and anterior hand involvement; Myofibrillar myopathy 5; Hypertrophic cardiomyopathy 26. Last evaluated: 2025-06-22. Review status: criteria provided, single submitter. Criteria: Invitae Variant Classification Sherloc (09022015). Collection method: clinical testing. Allele origin: germline.
Comment: This sequence change replaces glycine, which is neutral and non-polar, with serine, which is neutral and polar, at codon 1618 of the FLNC protein (p.Gly1618Ser). This variant is present in population databases (rs367824027, gnomAD 0.0009%). This variant has not been reported in the literature in individuals affected with FLNC-related conditions. ClinVar contains an entry for this variant (Variation ID: 1490141). Invitae Evidence Modeling of protein sequence and biophysical properties (such as structural, functional, and spatial information, amino acid conservation, physicochemical variation, residue mobility, and thermodynamic stability) has been performed for this missense variant. However, the output from this modeling did not meet the statistical confidence thresholds required to predict the impact of this variant on FLNC protein function. In summary, the available evidence is currently insufficient to determine the role of this variant in disease. Therefore, it has been classified as a Variant of Uncertain Significance.

Institute of Immunology and Genetics Kaiserslautern
Classification: Uncertain significance for Hypertrophic cardiomyopathy 26. Last evaluated: 2025-04-09. Review status: criteria provided, single submitter. Criteria: ACMG Guidelines, 2015. Collection method: clinical testing. Allele origin: germline. Affected: yes.
Comment: ACMG Criteria: PM2_P, PP3; Variant was found in heterozygous state.

Ambry Genetics
Classification: Uncertain significance for Cardiovascular phenotype. Last evaluated: 2025-03-14. Review status: criteria provided, single submitter. Criteria: Ambry Variant Classification Scheme 2023. Collection method: clinical testing. Allele origin: germline.
Comment: The p.G1618S variant (also known as c.4852G>A), located in coding exon 28 of the FLNC gene, results from a G to A substitution at nucleotide position 4852. The glycine at codon 1618 is replaced by serine, an amino acid with similar properties. This amino acid position is conserved. In addition, this alteration is predicted to be deleterious by in silico analysis. Based on the available evidence, the clinical significance of this variant remains unclear.

Blueprint Genetics
Classification: Uncertain significance. Last evaluated: 2021-06-11. Review status: criteria provided, single submitter. Criteria: ACMG Guidelines, 2015. Collection method: clinical testing. Allele origin: germline.

NM_001458.5(FLNC):c.4852G>A (p.Gly1618Ser)

Gene: FLNC (filamin C; plus strand). Cytogenetic location: 7q32.1.
Variant type: single nucleotide variant.
Coding change: c.4852G>A on transcript NM_001458.5 (MANE Select); coding-DNA position 4852, G replaced by A.
Protein change: p.Gly1618Ser; replaces glycine 1618 with serine.
Molecular consequence: missense variant.
Genome position (GRCh38, 1-based): chr7:128,848,907, G>A. VCF-style: chr7-128848907-G-A. GRCh37 (hg19) VCF-style: chr7-128488961-G-A.
Other names: c.4852G>A, p.Gly1618Ser (NM_001127487.2); c.4852G>A (NM_001458.4); short protein forms G1618S.
Identifiers: ClinVar variation 1490141 (VCV001490141.11), dbSNP rs367824027, ClinGen allele CA166184639.